The following is an entry in ClinVar:

NM_001080517.3(SETD5):c.3214C>T (p.Arg1072Ter)

Gene: SETD5 (SET domain containing 5; plus strand). Cytogenetic location: 3p25.3.
Variant type: single nucleotide variant.
Coding change: c.3214C>T on transcript NM_001080517.3 (MANE Select); coding-DNA position 3214, C replaced by T.
Protein change: p.Arg1072Ter; replaces arginine 1072 with a stop codon.
Molecular consequence: nonsense.
Genome position (GRCh38, 1-based): chr3:9,473,254, C>T. VCF-style: chr3-9473254-C-T. GRCh37 (hg19) VCF-style: chr3-9514938-C-T.
Other names: c.2920C>T, p.Arg974Ter (NM_001292043.2, NM_001349451.2); short protein forms R1072*, R974*.
Identifiers: ClinVar variation 975162 (VCV000975162.15), dbSNP rs2045524028, ClinGen allele CA351684726.
Genomic context (GRCh38, chr3:9,473,254, plus strand): 5'-GATAGAGTACCGTTTTTTGTTTGTTTGTTTTTTCCTTTCTAGGTATCCCTGCTGGAGTAC[C>T]GAAAACGGAAACAAGAAGCTAAGGAAAATTCTGCTGGTGGGGGAGGTGACTCTGCACAGA-3'

ClinVar aggregate classification (germline): Pathogenic/Likely pathogenic. Review status: criteria provided, multiple submitters, no conflicts (2 of 4 stars). 9 submissions from 9 submitters: Pathogenic (5); Likely pathogenic (1). 3 of the submissions do not count toward it. Last evaluated 2026-03-23.

Conditions:
Intellectual disability-facial dysmorphism syndrome due to SETD5 haploinsufficiency (MRD23). Also called: Intellectual developmental disorder, autosomal dominant 23. Identifiers: Orphanet 404440, MedGen C3810406, MONDO:0014336, OMIM 615761.
Inborn genetic diseases. Identifiers: MedGen C0950123, MeSH D030342.

Submissions (9):

Laboratorio de Genetica e Diagnostico Molecular, Hospital Israelita Albert Einstein
Classification: Pathogenic for Intellectual disability-facial dysmorphism syndrome due to SETD5 haploinsufficiency. Last evaluated: 2026-03-23. Review status: criteria provided, single submitter. Criteria: ACMG Guidelines, 2015. Collection method: clinical testing. Allele origin: germline. Affected: yes.
Comment: ACMG classification criteria: PVS1 very strong, PS4 supporting, PM2 supporting, PP1 supporting

3billion
Classification: Pathogenic for Intellectual disability-facial dysmorphism syndrome due to SETD5 haploinsufficiency. Last evaluated: 2026-01-11. Review status: criteria provided, single submitter. Criteria: ACMG Guidelines, 2015. Collection method: clinical testing. Allele origin: germline. Affected: yes.
Comment: The variant is not observed in the gnomAD v4.1.0 dataset. Predicted Consequence/Location: Stop-gained (nonsense): predicted to result in a loss or disruption of normal protein function through nonsense-mediated decay (NMD) or protein truncation. Multiple pathogenic variants are reported downstream of the variant. The variant has been reported at least twice as pathogenic with clinical assertions and evidence for the classification (ClinVar ID: VCV000975162 /PMID: 34169511). Therefore, this variant is classified as Pathogenic according to the recommendation of ACMG/AMP guideline.

Labcorp Genetics (formerly Invitae), Labcorp
Classification: Pathogenic. Last evaluated: 2023-05-09. Review status: criteria provided, single submitter. Criteria: Invitae Variant Classification Sherloc (09022015). Collection method: clinical testing. Allele origin: germline.
Comment: This sequence change creates a premature translational stop signal (p.Arg1072*) in the SETD5 gene. It is expected to result in an absent or disrupted protein product. Loss-of-function variants in SETD5 are known to be pathogenic (PMID: 24680889). This variant is not present in population databases (gnomAD no frequency). This premature translational stop signal has been observed in individual(s) with clinical features of SETD5-related conditions (PMID: 34169511). ClinVar contains an entry for this variant (Variation ID: 975162). For these reasons, this variant has been classified as Pathogenic.

Clinical Genetics Laboratory, Skane University Hospital Lund
Classification: Likely pathogenic. Last evaluated: 2022-05-27. Review status: criteria provided, single submitter. Criteria: ACMG Guidelines, 2015. Collection method: clinical testing. Allele origin: germline. Affected: yes.

GeneDx
Classification: Pathogenic. Last evaluated: 2021-01-21. Review status: criteria provided, single submitter. Criteria: GeneDx Variant Classification Process June 2021. Collection method: clinical testing. Allele origin: germline. Affected: yes.
Comment: Nonsense variant predicted to result in protein truncation or nonsense mediated decay in a gene for which loss-of-function is a known mechanism of disease; Not observed in large population cohorts (Lek et al., 2016); Has not been previously published as pathogenic or benign to our knowledge

Ambry Genetics
Classification: Pathogenic for Inborn genetic diseases. Last evaluated: 2019-06-12. Review status: criteria provided, single submitter. Criteria: Ambry exome assertion method (8-5-2015). Collection method: clinical testing. Allele origin: germline. Affected: yes. Observed: 1 variant allele.

Centre de Biologie Pathologie Génétique, Centre Hospitalier Universitaire de Lille
Classification: Pathogenic for Mental retardation, autosomal dominant 23. Last evaluated: 2019-01-01. Review status: no assertion criteria provided. Collection method: clinical testing. Allele origin: unknown. Affected: yes. Not counted in ClinVar's aggregate classification.

Genome Diagnostics Laboratory, University Medical Center Utrecht
Classification: Pathogenic. Review status: no assertion criteria provided. Collection method: clinical testing. Allele origin: germline. Affected: yes. Study: VKGL Data-share Consensus. Not counted in ClinVar's aggregate classification.

Laboratory of Diagnostic Genome Analysis, Leiden University Medical Center (LUMC)
Classification: Likely pathogenic. Review status: no assertion criteria provided. Collection method: clinical testing. Allele origin: germline. Affected: yes. Study: VKGL Data-share Consensus. Not counted in ClinVar's aggregate classification.

Literature cited by the submitters: PubMed 34169511 (cited by 3billion and Labcorp Genetics (formerly Invitae), Labcorp); PubMed 24680889 (cited by Labcorp Genetics (formerly Invitae), Labcorp).